The following is an entry in ClinVar:

ClinVar aggregate classification (germline): Pathogenic (1 of 4 stars; one submission).

Conditions:
Cardiovascular phenotype. Identifiers: MedGen CN230736.
Hereditary cancer-predisposing syndrome. Also called: Tumor predisposition; Neoplastic Syndromes, Hereditary; Hereditary Cancer Syndrome; Hereditary neoplastic syndrome. Identifiers: Orphanet 140162, MedGen C0027672, MeSH D009386, MONDO:0015356.

Submission:

Ambry Genetics
Classification: Pathogenic for Cardiovascular phenotype; Hereditary cancer-predisposing syndrome. Last evaluated: 2025-01-30. Review status: criteria provided, single submitter. Criteria: Ambry Variant Classification Scheme 2023. Collection method: clinical testing. Allele origin: germline.
Comment: The c.971delG pathogenic mutation, located in coding exon 9 of the NF1 gene, results from a deletion of one nucleotide at nucleotide position 971, causing a translational frameshift with a predicted alternate stop codon (p.C324Lfs*52). This variant was reported in individual(s) with features consistent with neurofibromatosis type 1 (Ambry internal data). This variant is considered to be rare based on population cohorts in the Genome Aggregation Database (gnomAD). This alteration is expected to result in loss of function by premature protein truncation or nonsense-mediated mRNA decay. As such, this alteration is interpreted as a disease-causing mutation.

NM_001042492.3(NF1):c.971del (p.Cys324fs)

Gene: NF1 (neurofibromin 1; plus strand). Cytogenetic location: 17q11.2.
Variant type: Deletion.
Coding change: c.971del on transcript NM_001042492.3 (MANE Select); coding-DNA position 971, one base deleted (G; older notation c.971delG).
Protein change: p.Cys324fs; shifts the reading frame from cysteine 324.
Molecular consequence: frameshift variant.
Genome position (GRCh38, 1-based): chr17:31,200,504, G deleted. VCF-style (leftmost placement, unchanged base first): chr17-31200503-TG-T. GRCh37 (hg19) VCF-style: chr17-29527521-TG-T.
Other names: c.971delG (NM_000267.3); c.971delG, p.Cys324Leufs (NM_000267.4); c.971del, p.Cys324fs (NM_001128147.3); short protein forms C324fs.
Identifiers: ClinVar variation 3879061 (VCV003879061.1).